The following is an entry in ClinVar:

ClinVar aggregate classification (germline): Benign. Review status: criteria provided, multiple submitters, no conflicts (2 of 4 stars). 5 submissions from 5 submitters: Benign (4). 1 of the submissions does not count toward it. Last evaluated 2026-01-31.

Conditions:
Monilethrix. Also called: Beaded hair. Identifiers: Orphanet 573, MedGen C0546966, MONDO:0008009, HP:0032470.
KRT83-related disorder. Also called: KRT83-related condition.

Allele frequency attached by ClinVar (database versions not stated): gnomAD exomes 0.11370 and 0.11948; TOPMed 0.11527; gnomAD 0.11683 and 0.11693; ExAC 0.11895; ESP Exome Variant Server 0.12356; 1000 Genomes Project 0.12780; 1000 Genomes Project 30x 0.13086.
gnomAD v4.1: 192,156 of 1,614,004 alleles (12%); highest among the groups gnomAD compares: South Asian, 20%; 12,295 homozygotes.

Submissions (5):

Labcorp Genetics (formerly Invitae), Labcorp
Classification: Benign. Last evaluated: 2026-01-31. Review status: criteria provided, single submitter. Criteria: Invitae Variant Classification Sherloc (09022015). Collection method: clinical testing. Allele origin: germline.

GeneDx
Classification: Benign. Last evaluated: 2018-11-12. Review status: criteria provided, single submitter. Criteria: GeneDx Variant Classification Process June 2021. Collection method: clinical testing. Allele origin: germline. Affected: yes.

Illumina Laboratory Services, Illumina
Classification: Benign for Monilethrix-1. Last evaluated: 2018-01-13. Review status: criteria provided, single submitter. Criteria: ICSL Variant Classification Criteria 13 December 2019. Collection method: clinical testing. Allele origin: germline.
Comment: This variant was observed in the ICSL laboratory as part of a predisposition screen in an ostensibly healthy population. It had not been previously curated by ICSL or reported in the Human Gene Mutation Database (HGMD: prior to June 1st, 2018), and was therefore a candidate for classification through an automated scoring system. Utilizing variant allele frequency, disease prevalence and penetrance estimates, and inheritance mode, an automated score was calculated to assess if this variant is too frequent to cause the disease. Based on the score and internal cut-off values, a variant classified as benign is not then subjected to further curation. The score for this variant resulted in a classification of benign for this disease.

Breakthrough Genomics
Classification: Benign. Review status: criteria provided, single submitter. Criteria: ACMG Guidelines, 2015. Collection method: not provided. Allele origin: germline. Inheritance: Autosomal recessive inheritance. Affected: yes.

PreventionGenetics, part of Exact Sciences
Classification: Benign for KRT83-related condition. Last evaluated: 2019-11-07. Review status: no assertion criteria provided. Collection method: clinical testing. Allele origin: germline. Not counted in ClinVar's aggregate classification.
Comment: This variant is classified as benign based on ACMG/AMP sequence variant interpretation guidelines (Richards et al. 2015 PMID: 25741868, with internal and published modifications).

NM_002282.3(KRT83):c.445C>T (p.Arg149Cys)

Gene: KRT83 (keratin 83; minus strand). Cytogenetic location: 12q13.13.
Variant type: single nucleotide variant.
Coding change: c.445C>T on transcript NM_002282.3 (MANE Select); coding-DNA position 445, C replaced by T.
Protein change: p.Arg149Cys; replaces arginine 149 with cysteine.
Molecular consequence: missense variant.
Genome position (GRCh38, 1-based): chr12:52,319,304, G>A on the plus strand (C>T on the coding strand, the complement: KRT83 is on the minus strand). VCF-style: chr12-52319304-G-A. GRCh37 (hg19) VCF-style: chr12-52713088-G-A.
Other names: short protein forms R149C.
Identifiers: ClinVar variation 309537 (VCV000309537.17), dbSNP rs2857663, ClinGen allele CA6577676.
Genomic context (GRCh38, chr12:52,319,304, plus strand): 5'-GCCGCAGAGTCTCGATGTAGCCAGCAAACAGGGGCTCCAGGTTACTCTGGCAGCACTCGC[G>A]GTTTTGGTAGAACTGCAGCTTTGTCTCCAGCAGCTTGTTCTGCTGCTCCAGGAAGCGCAC-3'
Protein context (NP_002273.3, residues 139-159): LETKLQFYQN[Arg149Cys]ECCQSNLEPL